The following is an entry in ClinVar:

ClinVar aggregate classification (germline): Likely pathogenic (1 of 4 stars; one submission).

Submission:

Labcorp Genetics (formerly Invitae), Labcorp
Classification: Likely pathogenic. Last evaluated: 2022-05-16. Review status: criteria provided, single submitter. Criteria: Invitae Variant Classification Sherloc (09022015). Collection method: clinical testing. Allele origin: germline.
Comment: This sequence change replaces isoleucine, which is neutral and non-polar, with phenylalanine, which is neutral and non-polar, at codon 639 of the CYFIP2 protein (p.Ile639Phe). This variant is not present in population databases (gnomAD no frequency). This missense change has been observed in individual(s) with CYFIP2-related conditions (Invitae). In at least one individual the variant was observed to be de novo. Algorithms developed to predict the effect of missense changes on protein structure and function are either unavailable or do not agree on the potential impact of this missense change (SIFT: "Deleterious"; PolyPhen-2: "Not Available"; Align-GVGD: "Class C0"). In summary, the currently available evidence indicates that the variant is pathogenic, but additional data are needed to prove that conclusively. Therefore, this variant has been classified as Likely Pathogenic.

NM_001037333.3(CYFIP2):c.1915A>T (p.Ile639Phe)

Gene: CYFIP2 (cytoplasmic FMR1 interacting protein 2; plus strand). Cytogenetic location: 5q33.3.
Variant type: single nucleotide variant.
Coding change: c.1915A>T on transcript NM_001037333.3 (MANE Select); coding-DNA position 1915, A replaced by T.
Protein change: p.Ile639Phe; replaces isoleucine 639 with phenylalanine.
Molecular consequence: missense variant.
Genome position (GRCh38, 1-based): chr5:157,325,571, A>T. VCF-style: chr5-157325571-A-T. GRCh37 (hg19) VCF-style: chr5-156752579-A-T.
Other names: c.1837A>T, p.Ile613Phe (NM_001291721.2); c.1990A>T, p.Ile664Phe (NM_001291722.2); c.1915A>T, p.Ile639Phe (NM_014376.4); short protein forms I639F, I664F, I613F.
Identifiers: ClinVar variation 2062031 (VCV002062031.4), dbSNP rs2532418913, ClinGen allele CA361970245.
Genomic context (GRCh38, chr5:157,325,571, plus strand): 5'-CAGCTCTGGTTCCGAGAATTCTTCCTGGAGTTAACCATGGGCCGACGAATCCAGTTCCCC[A>T]TCGAGATGTCCATGCCCTGGATTCTAACGGACCATATCCTGGAAACCAAAGAACCTTCCA-3'
Protein context (NP_001032410.1, residues 629-649): LTMGRRIQFP[Ile639Phe]EMSMPWILTD